The following is an entry in ClinVar:

ClinVar aggregate classification (germline): Uncertain significance (1 of 4 stars; one submission).

Conditions:
Cardiac valvular defect, developmental (CVDP1). Also called: CARDIAC VALVULAR DYSPLASIA 1. Identifiers: MedGen C5774175, MONDO:0008913, OMIM 212093.

Allele frequency attached by ClinVar (database versions not stated): gnomAD exomes below 0.00001.
gnomAD v4.1: 1 of 1,540,578 alleles (0.000065%); highest among the groups gnomAD compares: Non-Finnish European, 0.00009%; no homozygotes.

Submission:

Neuberg Centre For Genomic Medicine, NCGM
Classification: Uncertain significance for Cardiac valvular defect, developmental. Last evaluated: 2023-03-01. Review status: criteria provided, single submitter. Criteria: ACMG Guidelines, 2015. Collection method: clinical testing. Allele origin: germline. Inheritance: Autosomal recessive inheritance. Affected: yes.
Comment: The invariant splice donor c.3000+2T>A variant in PLD1 gene has not been reported previously as a pathogenic variant nor as a benign variant, to our knowledge. The c.3000+2T>A variant is novel (not in any individuals) in both gnomAD Exomes and 1000 Genomes databases. This variant has not been reported to the ClinVar database. Loss of function variants have been previously reported to be disease causing. However, since this variant is present in the last intron, and no downstream loss of function variants being reported previously, functional studies will be required to prove protein truncation or splicing effect for this variant. For these reasons, this variant is classified as a Variant of Uncertain Significance (VUS).

NM_002662.5(PLD1):c.3000+2T>A

Gene: PLD1 (phospholipase D1; minus strand). Cytogenetic location: 3q26.31.
Variant type: single nucleotide variant.
Coding change: c.3000+2T>A on transcript NM_002662.5 (MANE Select); the canonical splice donor site of the intron after coding-DNA position 3000, T replaced by A.
Molecular consequence: splice donor variant.
Genome position (GRCh38, 1-based): chr3:171,605,297, A>T on the plus strand (T>A on the coding strand, the complement: PLD1 is on the minus strand). VCF-style: chr3-171605297-A-T. GRCh37 (hg19) VCF-style: chr3-171323087-A-T.
Other names: c.2886+2T>A (NM_001130081.3).
Identifiers: ClinVar variation 2671754 (VCV002671754.1), dbSNP rs2473500615, ClinGen allele CA355528551.
Genomic context (GRCh38, chr3:171,605,297, plus strand): 5'-ATATGCTTTTTGTGATGAGATTCAGTGAAAAGAAACGGAGGAGGGGAATACGTGAACTTC[A>T]CCTTGTCATAAATTGTAGCATTTCGAGCTGCTGTTGAAACCCACACCTCCTTGAAGAATT-3'